The following is an entry in ClinVar:

ClinVar aggregate classification (germline): Benign. Review status: criteria provided, multiple submitters, no conflicts (2 of 4 stars). 3 submissions from 3 submitters: Benign (2). 1 of the submissions does not count toward it. Last evaluated 2021-05-04.

Conditions:
DNAH17-related disorder. Also called: DNAH17-related condition.

Allele frequency attached by ClinVar (database versions not stated): ESP Exome Variant Server 0.00038; gnomAD exomes 0.00353 and 0.01053; TOPMed 0.00691; ExAC 0.00925; 1000 Genomes Project 0.01897; 1000 Genomes Project 30x 0.01905.
gnomAD v4.1: 6,005 of 1,614,026 alleles (0.37%); highest among the groups gnomAD compares: East Asian, 9.6%; 254 homozygotes.

Submissions (3):

GeneDx
Classification: Benign. Last evaluated: 2021-05-04. Review status: criteria provided, single submitter. Criteria: GeneDx Variant Classification Process June 2021. Collection method: clinical testing. Allele origin: germline. Affected: yes.

Breakthrough Genomics
Classification: Benign. Review status: criteria provided, single submitter. Criteria: ACMG Guidelines, 2015. Collection method: not provided. Allele origin: germline. Inheritance: Autosomal recessive inheritance. Affected: yes.

PreventionGenetics, part of Exact Sciences
Classification: Benign for DNAH17-related condition. Last evaluated: 2019-02-20. Review status: no assertion criteria provided. Collection method: clinical testing. Allele origin: germline. Not counted in ClinVar's aggregate classification.
Comment: This variant is classified as benign based on ACMG/AMP sequence variant interpretation guidelines (Richards et al. 2015 PMID: 25741868, with internal and published modifications).

NM_173628.4(DNAH17):c.13291A>G (p.Ile4431Val)

Genes: DNAH17 (dynein axonemal heavy chain 17; minus strand), PGS1 (phosphatidylglycerophosphate synthase 1; plus strand). Cytogenetic location: 17q25.3.
Variant type: single nucleotide variant.
Coding change: c.13291A>G on transcript NM_173628.4 (MANE Select); coding-DNA position 13291, A replaced by G.
Protein change: p.Ile4431Val; replaces isoleucine 4431 with valine.
Molecular consequence: missense variant. On other transcripts: intron variant (1).
Genome position (GRCh38, 1-based): chr17:78,424,004, T>C on the plus strand (A>G on the coding strand, the complement: DNAH17 is on the minus strand). VCF-style: chr17-78424004-T-C. GRCh37 (hg19) VCF-style: chr17-76420085-T-C.
Other names: c.*11-57T>C (NM_024419.5); short protein forms I4431V.
Identifiers: ClinVar variation 1241586 (VCV001241586.5), dbSNP rs78023288, ClinGen allele CA8799564.
Genomic context (GRCh38, chr17:78,424,004, plus strand): 5'-ACTTCGCTGCCTTCTCTTTGGTCTTCAAGTTAAAGGTCCAGACATAGGTGGGGCCGCGGA[T>C]GCGTGTTTTGTACACGGGACACTCATAGATGTTCTTGGTCTCCATGCGGTCCACAGGAAT-3'
Protein context (NP_775899.3, residues 4421-4441): IYECPVYKTR[Ile4431Val]RGPTYVWTFN